The following is an entry in ClinVar:

ClinVar aggregate classification (germline): Uncertain significance. Review status: criteria provided, multiple submitters, no conflicts (2 of 4 stars). 2 submissions from 2 submitters: Uncertain significance (2). Last evaluated 2025-04-09.

Conditions:
Inborn genetic diseases. Identifiers: MedGen C0950123, MeSH D030342.
Hereditary spastic paraplegia 63. Also called: Spastic paraplegia 63, autosomal recessive. Identifiers: Orphanet 401805, MedGen C3810295, MONDO:0014305, OMIM 615686.
Pontocerebellar hypoplasia type 9. Identifiers: Orphanet 369920, MedGen C4014354, MONDO:0014351, OMIM 615809.

Allele frequency attached by ClinVar (database versions not stated): TOPMed below 0.00001; ExAC 0.00001.
gnomAD v4.1: 56 of 1,612,520 alleles (0.0035%); highest among the groups gnomAD compares: Non-Finnish European, 0.0046%; no homozygotes.

Submissions (2):

Ambry Genetics
Classification: Uncertain significance for Inborn genetic diseases. Last evaluated: 2025-04-09. Review status: criteria provided, single submitter. Criteria: Ambry Variant Classification Scheme 2023. Collection method: clinical testing. Allele origin: germline.

Labcorp Genetics (formerly Invitae), Labcorp
Classification: Uncertain significance for Pontocerebellar hypoplasia type 9; Hereditary spastic paraplegia 63. Last evaluated: 2022-04-18. Review status: criteria provided, single submitter. Criteria: Invitae Variant Classification Sherloc (09022015). Collection method: clinical testing. Allele origin: germline.
Comment: Algorithms developed to predict the effect of missense changes on protein structure and function (SIFT, PolyPhen-2, Align-GVGD) all suggest that this variant is likely to be tolerated. In summary, the available evidence is currently insufficient to determine the role of this variant in disease. Therefore, it has been classified as a Variant of Uncertain Significance. This variant has not been reported in the literature in individuals affected with AMPD2-related conditions. This sequence change replaces arginine, which is basic and polar, with glutamine, which is neutral and polar, at codon 210 of the AMPD2 protein (p.Arg210Gln). This variant is present in population databases (rs777443721, gnomAD 0.003%).

NM_001368809.2(AMPD2):c.467G>A (p.Arg156Gln)

Gene: AMPD2 (adenosine monophosphate deaminase 2; plus strand). Cytogenetic location: 1p13.3.
Variant type: single nucleotide variant.
Coding change: c.467G>A on transcript NM_001368809.2 (MANE Select); coding-DNA position 467, G replaced by A.
Protein change: p.Arg156Gln; replaces arginine 156 with glutamine.
Molecular consequence: missense variant.
Genome position (GRCh38, 1-based): chr1:109,626,363, G>A. VCF-style: chr1-109626363-G-A. GRCh37 (hg19) VCF-style: chr1-110168985-G-A.
Other names: c.629G>A, p.Arg210Gln (NM_001257360.2); c.275G>A, p.Arg92Gln (NM_001257361.2); c.404G>A, p.Arg135Gln (NM_001308170.1); c.467G>A, p.Arg156Gln (NM_004037.9); c.386G>A, p.Arg129Gln (NM_139156.4); c.629G>A (NM_004037.6); short protein forms R92Q, R156Q, R210Q, R135Q, R129Q.
Identifiers: ClinVar variation 2159456 (VCV002159456.3), dbSNP rs777443721, ClinGen allele CA992808.